The following is an entry in ClinVar:

NM_001365999.1(SZT2):c.6957G>A (p.Pro2319=)

Gene: SZT2 (SZT2 subunit of KICSTOR complex; plus strand). Cytogenetic location: 1p34.2.
Variant type: single nucleotide variant.
Coding change: c.6957G>A on transcript NM_001365999.1 (MANE Select); coding-DNA position 6957, G replaced by A.
Protein change: p.Pro2319=; no amino-acid change (proline 2319 retained).
Molecular consequence: synonymous variant.
Genome position (GRCh38, 1-based): chr1:43,439,684, G>A. VCF-style: chr1-43439684-G-A. GRCh37 (hg19) VCF-style: chr1-43905355-G-A.
Other names: c.6786G>A, p.Pro2262= (NM_015284.4).
Identifiers: ClinVar variation 1004282 (VCV001004282.7), dbSNP rs769071428, ClinGen allele CA810066.

ClinVar aggregate classification (germline): Uncertain significance (1 of 4 stars; one submission).

Allele frequency attached by ClinVar (database versions not stated): gnomAD exomes below 0.00001; TOPMed below 0.00001; ExAC 0.00001.
gnomAD v4.1: 11 of 1,612,700 alleles (0.00068%); highest among the groups gnomAD compares: African/African-American, 0.0013%; no homozygotes.

Submissions (2):

Labcorp Genetics (formerly Invitae), Labcorp
Classification: Uncertain significance. Last evaluated: 2021-10-08. Review status: criteria provided, single submitter. Criteria: Invitae Variant Classification Sherloc (09022015). Collection method: clinical testing. Allele origin: germline.
Comment: This variant has not been reported in the literature in individuals affected with SZT2-related conditions. In summary, the available evidence is currently insufficient to determine the role of this variant in disease. Therefore, it has been classified as a Variant of Uncertain Significance. Algorithms developed to predict the effect of sequence changes on RNA splicing suggest that this variant may create or strengthen a splice site. This variant is present in population databases (rs769071428, ExAC 0.02%). This sequence change affects codon 2262 of the SZT2 mRNA. It is a 'silent' change, meaning that it does not change the encoded amino acid sequence of the SZT2 protein.

Dr. Peter K. Rogan Lab, Western University
No classification provided (evidence only). Condition: Papillary renal cell carcinoma type 1. Review status: no classification provided. Collection method: in vitro. Allele origin: not applicable. Functional consequence: retained intron. Not counted in ClinVar's aggregate classification.